The following is an entry in ClinVar:

NM_004006.3(DMD):c.1703A>C (p.Gln568Pro)

Gene: DMD (dystrophin; minus strand). Cytogenetic location: Xp21.1.
Variant type: single nucleotide variant.
Coding change: c.1703A>C on transcript NM_004006.3 (MANE Select); coding-DNA position 1703, A replaced by C.
Protein change: p.Gln568Pro; replaces glutamine 568 with proline.
Molecular consequence: missense variant.
Genome position (GRCh38, 1-based): chrX:32,573,746, T>G on the plus strand (A>C on the coding strand, the complement: DMD is on the minus strand). VCF-style: chrX-32573746-T-G. GRCh37 (hg19) VCF-style: chrX-32591863-T-G.
Other names: c.1679A>C, p.Gln560Pro (NM_000109.4); c.1691A>C, p.Gln564Pro (NM_004009.3); c.1334A>C, p.Gln445Pro (NM_004010.3); short protein forms Q564P, Q445P, Q560P, Q568P.
Identifiers: ClinVar variation 3694906 (VCV003694906.3).

ClinVar aggregate classification (germline): Uncertain significance. Review status: criteria provided, multiple submitters, no conflicts (2 of 4 stars). 2 submissions from 2 submitters: Uncertain significance (2). Last evaluated 2025-01-10.

Conditions:
Duchenne muscular dystrophy (DMD). Also called: MUSCULAR DYSTROPHY, PSEUDOHYPERTROPHIC PROGRESSIVE, DUCHENNE TYPE; Duchenne Muscular Dystrophy (DMD). Identifiers: Orphanet 98896, MedGen C0013264, MONDO:0010679, OMIM 310200.

Submissions (2):

GeneDx
Classification: Uncertain significance. Last evaluated: 2025-01-10. Review status: criteria provided, single submitter. Criteria: GeneDx Variant Classification Process June 2021. Collection method: clinical testing. Allele origin: germline. Affected: yes.
Comment: Not observed at significant frequency in large population cohorts (gnomAD); In silico analysis supports that this missense variant has a deleterious effect on protein structure/function; In silico analysis supports a deleterious effect on splicing; Has not been previously published as pathogenic or benign to our knowledge

Labcorp Genetics (formerly Invitae), Labcorp
Classification: Uncertain significance for Duchenne muscular dystrophy. Last evaluated: 2024-12-11. Review status: criteria provided, single submitter. Criteria: Invitae Variant Classification Sherloc (09022015). Collection method: clinical testing. Allele origin: germline.
Comment: This sequence change replaces glutamine, which is neutral and polar, with proline, which is neutral and non-polar, at codon 568 of the DMD protein (p.Gln568Pro). This variant is not present in population databases (gnomAD no frequency). This variant has not been reported in the literature in individuals affected with DMD-related conditions. An algorithm developed to predict the effect of missense changes on protein structure and function (PolyPhen-2) suggests that this variant is likely to be disruptive. Algorithms developed to predict the effect of sequence changes on RNA splicing suggest that this variant may disrupt the consensus splice site. In summary, the available evidence is currently insufficient to determine the role of this variant in disease. Therefore, it has been classified as a Variant of Uncertain Significance.